The following is an entry in ClinVar:

ClinVar aggregate classification (germline): Uncertain significance (1 of 4 stars; one submission).

Submission:

GeneDx
Classification: Uncertain significance. Last evaluated: 2024-01-26. Review status: criteria provided, single submitter. Criteria: GeneDx Variant Classification Process June 2021. Collection method: clinical testing. Allele origin: germline. Affected: yes.
Comment: Not observed at significant frequency in large population cohorts (gnomAD); In silico analysis supports that this variant does not alter splicing; Has not been previously published as pathogenic or benign to our knowledge

NM_002480.3(PPP1R12A):c.647+5G>A

Gene: PPP1R12A (protein phosphatase 1 regulatory subunit 12A; minus strand). Cytogenetic location: 12q21.2.
Variant type: single nucleotide variant.
Coding change: c.647+5G>A on transcript NM_002480.3 (MANE Select); 5 bases into the intron after coding-DNA position 647, G replaced by A.
Molecular consequence: intron variant.
Genome position (GRCh38, 1-based): chr12:79,832,327, C>T on the plus strand (G>A on the coding strand, the complement: PPP1R12A is on the minus strand). VCF-style: chr12-79832327-C-T. GRCh37 (hg19) VCF-style: chr12-80226107-C-T.
Other names: c.647+5G>A (NM_001244992.1, NM_001244990.2, NM_001143885.2); c.386+5G>A (NM_001143886.2).
Identifiers: ClinVar variation 3368332 (VCV003368332.1).